The following is an entry in ClinVar:

ClinVar aggregate classification (germline): Pathogenic (1 of 4 stars; one submission).

Conditions:
Microcephaly 5, primary, autosomal recessive (MCPH5). Also called: ASPM Primary Microcephaly. Identifiers: Orphanet 2512, MedGen C1837501, MONDO:0012106, OMIM 608716.

Submission:

3billion
Classification: Pathogenic for Microcephaly 5, primary, autosomal recessive. Last evaluated: 2021-10-02. Review status: criteria provided, single submitter. Criteria: ACMG Guidelines, 2015. Collection method: clinical testing. Allele origin: maternal. Affected: yes. Observed: 1 heterozygote.
Comment: Canonical splice site: predicted to alter splicing and result in a loss or disruption of normal protein function through nonsense-mediated decay (NMD) or protein truncation. Multiple pathogenic variants are reported downstream of the variant (PVS1_VS). It is not observed in the gnomAD v2.1.1 dataset (PM2). The variant was observed in trans with a pathogenic variant (NM_018136.4: c.9641T>A) as compound heterozygous (3billion dataset, PM3). Therefore, this variant is classified as pathogenic according to the recommendation of ACMG/AMP guideline.

NM_018136.5(ASPM):c.2760+1G>A

Gene: ASPM (assembly factor for spindle microtubules; minus strand). Cytogenetic location: 1q31.3.
Variant type: single nucleotide variant.
Coding change: c.2760+1G>A on transcript NM_018136.5 (MANE Select); the canonical splice donor site of the intron after coding-DNA position 2760, G replaced by A.
Molecular consequence: splice donor variant.
Genome position (GRCh38, 1-based): chr1:197,129,186, C>T on the plus strand (G>A on the coding strand, the complement: ASPM is on the minus strand). VCF-style: chr1-197129186-C-T. GRCh37 (hg19) VCF-style: chr1-197098316-C-T.
Other names: c.2760+1G>A (NM_001206846.2).
Identifiers: ClinVar variation 1320079 (VCV001320079.1), dbSNP rs2125107452, ClinGen allele CA344049247.